The following is an entry in ClinVar:

GRCh37/hg19 15q21.3(chr15:55772371-57880518)x1

Genes: CGNL1 (cingulin like 1; plus strand), DNAAF4 (dynein axonemal assembly factor 4; minus strand), MNS1 (meiosis specific nuclear structural 1; minus strand), NEDD4 (NEDD4 E3 ubiquitin protein ligase; minus strand), PRTG (protogenin; minus strand) and 5 more. Cytogenetic location: 15q21.3.
Variant type: copy number loss.
Change: copy number 1 (one copy instead of two) of chr15:55,772,371-57,880,518 (2.11 Mb, GRCh37 coordinates, 1-based), cytogenetic band 15q21.3.
Identifiers: ClinVar variation 1340208 (VCV001340208.1).

ClinVar aggregate classification (germline): Pathogenic (0 of 4 stars; one submission).

Submission:

Quest Diagnostics Nichols Institute San Juan Capistrano
Classification: Pathogenic. Last evaluated: 2021-04-01. Review status: no assertion criteria provided. Collection method: clinical testing. Allele origin: germline.
Comment: The copy number loss of 15q21.3 involves several protein-coding genes and is expected to cause phenotypic and/or developmental abnormalities. It includes TCF12 (OMIM 600480) and multiple exons (NM_130810.4) of the 5' portion of DNAAF4 (OMIM 608706). Haploinsufficiency of TCF12 is associated with autosomal dominant craniosynostosis-3 (OMIM 615314), which is characterized by premature fusion of the cranial sutures leading to skull deformity and, in some cases, increased intracranial pressure. If left untreated, the increase in intracranial pressure can result in permanent neurodevelopmental disability. Affected individuals may also have mild dysmorphic facial features and limb anomalies. TCF12 pathogenic variants are frequently inherited from an unaffected parent and familial segregations with reduced penetrance have been reported (Sharma et al., Nat Genet 2013;45(3):304-7, PMID: 23354436). Additionally, heterozygous sequence variants of DNAAF4 are associated with autosomal dominant susceptibility to dyslexia-1 (OMIM 127700). There are two genes in this copy number loss that are associated with autosomal recessive disorders: DNAAF4 and MNS1 (OMIM 610766).